The following is an entry in ClinVar:

ClinVar aggregate classification (germline): Pathogenic (1 of 4 stars; one submission).

Conditions:
Glycogen storage disease, type II (IOPD). Also called: Pompe Disease; CARDIOMEGALIA GLYCOGENICA DIFFUSA; GLYCOGENOSIS, GENERALIZED, CARDIAC FORM; GSD II; POMPE DISEASE, INFANTILE-ONSET; GLYCOGEN STORAGE DISEASE II, INFANTILE-ONSET. Identifiers: Orphanet 365, MedGen C0017921, MONDO:0009290, OMIM 232300.

Submission:

Genomenon, Inc
Classification: Pathogenic for Glycogen storage disease, type II. Last evaluated: 2026-07-01. Review status: criteria provided, single submitter. Criteria: Genomenon Sequence Variant Interpretation Standards - Updated. Collection method: curation. Allele origin: germline. Affected: yes.
Comment: GAA p.Asp91IlefsTer51 (c.271del) is a frameshift variant that is predicted to introduce a premature termination codon and result in a truncated or absent protein product. This variant has been observed in at least one proband with a GAA-related disorder (PMID:31545528;29181627;10737124;16838077). It is absent or not present at a significant frequency in gnomAD. In conclusion, we classify GAA p.Asp91IlefsTer51 (c.271del) as a pathogenic variant.

Literature cited by the submitters: PubMed 31545528; PubMed 29181627; PubMed 10737124; PubMed 16838077.

NM_000152.5(GAA):c.271del (p.Asp91fs)

Gene: GAA (alpha glucosidase; plus strand). Cytogenetic location: 17q25.3.
Variant type: Deletion.
Coding change: c.271del on transcript NM_000152.5 (MANE Select); coding-DNA position 271, one base deleted (G; older notation c.271delG).
Protein change: p.Asp91fs; shifts the reading frame from aspartic acid 91.
Molecular consequence: frameshift variant.
Genome position (GRCh38, 1-based): chr17:80,104,857, G deleted. VCF-style (leftmost placement, unchanged base first): chr17-80104856-CG-C. GRCh37 (hg19) VCF-style: chr17-78078655-CG-C.
Other names: c.271del, p.Asp91fs (NM_001079804.3, NM_001079803.3, NM_001406741.1 and 1 more transcripts); short protein forms D91fs.
Identifiers: ClinVar variation 4876479 (VCV004876479.1).